The following is an entry in ClinVar:

NM_001364171.2(ODAD1):c.582C>T (p.Asp194=)

Gene: ODAD1 (outer dynein arm docking complex subunit 1; minus strand). Cytogenetic location: 19q13.33.
Variant type: single nucleotide variant.
Coding change: c.582C>T on transcript NM_001364171.2 (MANE Select); coding-DNA position 582, C replaced by T.
Protein change: p.Asp194=; no amino-acid change (aspartic acid 194 retained).
Molecular consequence: synonymous variant.
Genome position (GRCh38, 1-based): chr19:48,311,568, G>A on the plus strand (C>T on the coding strand, the complement: ODAD1 is on the minus strand). VCF-style: chr19-48311568-G-A. GRCh37 (hg19) VCF-style: chr19-48814825-G-A.
Other names: p.Asp157=; c.471C>T, p.Asp157= (NM_144577.4).
Identifiers: ClinVar variation 262499 (VCV000262499.42), dbSNP rs190978775, ClinGen allele CA9549025.

ClinVar aggregate classification (germline): Benign/Likely benign. Review status: criteria provided, multiple submitters, no conflicts (2 of 4 stars). 7 submissions from 7 submitters: Benign (1); Likely benign (6). Last evaluated 2026-01-25.

Conditions:
Primary ciliary dyskinesia. Also called: Ciliary dyskinesia. Identifiers: Orphanet 244, MedGen C0008780, MONDO:0016575, HP:0012265.

Allele frequency attached by ClinVar (database versions not stated): 1000 Genomes Project 30x 0.00016; 1000 Genomes Project 0.00020; ExAC 0.00131; gnomAD 0.00144 and 0.00149; gnomAD exomes 0.00164 and 0.00243; TOPMed 0.00182.
gnomAD v4.1: 3,631 of 1,548,922 alleles (0.23%); highest among the groups gnomAD compares: Non-Finnish European, 0.29%; 11 homozygotes.

Submissions (7):

Labcorp Genetics (formerly Invitae), Labcorp
Classification: Benign for Primary ciliary dyskinesia. Last evaluated: 2026-01-25. Review status: criteria provided, single submitter. Criteria: Invitae Variant Classification Sherloc (09022015). Collection method: clinical testing. Allele origin: germline.

Mayo Clinic Laboratories, Mayo Clinic
Classification: Likely benign. Last evaluated: 2025-03-26. Review status: criteria provided, single submitter. Criteria: ACMG Guidelines, 2015. Collection method: clinical testing. Allele origin: germline. Observed: 1 variant allele.
Comment: BS1, BS2_supporting, BP4, BP7

CeGaT Center for Human Genetics Tuebingen
Classification: Likely benign. Last evaluated: 2025-03-01. Review status: criteria provided, single submitter. Criteria: CeGaT Center For Human Genetics Tuebingen Variant Classification Criteria Version 2. Collection method: clinical testing. Allele origin: germline. Affected: yes. Observed: 3 variant alleles.
Comment: ODAD1: BP4, BP7

Blueprint Genetics
Classification: Likely benign. Last evaluated: 2024-11-26. Review status: criteria provided, single submitter. Criteria: ACMG Guidelines, 2015. Collection method: clinical testing. Allele origin: germline.

Ambry Genetics
Classification: Likely benign for Primary ciliary dyskinesia. Last evaluated: 2018-01-22. Review status: criteria provided, single submitter. Criteria: Ambry Variant Classification Scheme 2023. Collection method: clinical testing. Allele origin: germline.

Breakthrough Genomics
Classification: Likely benign. Review status: criteria provided, single submitter. Criteria: ACMG Guidelines, 2015. Collection method: not provided. Allele origin: germline. Inheritance: Autosomal recessive inheritance. Affected: yes.

PreventionGenetics, part of Exact Sciences
Classification: Likely benign. Review status: criteria provided, single submitter. Criteria: ACMG Guidelines, 2015. Collection method: clinical testing. Allele origin: germline.